The following is an entry in ClinVar:

ClinVar aggregate classification (germline): Pathogenic (1 of 4 stars; one submission).

Conditions:
Hereditary spastic paraplegia 30. Identifiers: Orphanet 101010, MedGen C5235139, MONDO:0012476.
Neuropathy, hereditary sensory, type 2C. Also called: KIF1A-Related HSAN2 (HSAN2C); Hereditary sensory and autonomic neuropathy type IIC. Identifiers: Orphanet 970, MedGen C3280168, MONDO:0013634, OMIM 614213.
Intellectual disability, autosomal dominant 9 (NESCAVS). Also called: KIF1A-Related Neurodevelopmental Disorder; NESCAV SYNDROME. Identifiers: Orphanet 662367, MedGen C5393830, MONDO:0013656, OMIM 614255.

Submission:

Labcorp Genetics (formerly Invitae), Labcorp
Classification: Pathogenic for Hereditary spastic paraplegia 30; Neuropathy, hereditary sensory, type 2C; Intellectual disability, autosomal dominant 9. Last evaluated: 2024-03-07. Review status: criteria provided, single submitter. Criteria: Invitae Variant Classification Sherloc (09022015). Collection method: clinical testing. Allele origin: germline.
Comment: This sequence change creates a premature translational stop signal (p.Pro1409Argfs*89) in the KIF1A gene. It is expected to result in an absent or disrupted protein product. Loss-of-function variants in KIF1A are known to be pathogenic (PMID: 21820098). This variant is not present in population databases (gnomAD no frequency). This variant has not been reported in the literature in individuals affected with KIF1A-related conditions. ClinVar contains an entry for this variant (Variation ID: 1439490). For these reasons, this variant has been classified as Pathogenic.

Literature cited by the submitters: PubMed 21820098.

NM_001244008.2(KIF1A):c.4529del (p.Pro1510fs)

Gene: KIF1A (kinesin family member 1A; minus strand). Cytogenetic location: 2q37.3.
Variant type: Deletion.
Coding change: c.4529del on transcript NM_001244008.2 (MANE Select); coding-DNA position 4529, one base deleted (C; older notation c.4529delC).
Protein change: p.Pro1510fs; shifts the reading frame from proline 1510.
Molecular consequence: frameshift variant.
Genome position (GRCh38, 1-based): chr2:240,722,592, G deleted on the plus strand (C on the coding strand, the reverse complement: KIF1A is on the minus strand); the first of 3 consecutive G bases (chr2:240,722,592-240,722,594); deleting any one gives the same sequence. VCF-style (leftmost placement, unchanged base first): chr2-240722591-CG-C. GRCh37 (hg19) VCF-style: chr2-241662008-CG-C.
Other names: c.4253del, p.Pro1418fs (NM_001320705.2, NM_001379649.1); c.4280del, p.Pro1427fs (NM_001330289.2); c.4328del, p.Pro1443fs (NM_001330290.2, NM_001379648.1); c.4604del, p.Pro1535fs (NM_001379631.1); c.4505del, p.Pro1502fs (NM_001379632.1); c.4502del, p.Pro1501fs (NM_001379633.1, NM_001379645.1); c.4355del, p.Pro1452fs (NM_001379634.1); c.4352del, p.Pro1451fs (NM_001379635.1, NM_001379646.1); and 7 more; short protein forms P1408fs, P1409fs, P1427fs, P1510fs, P1535fs, P1417fs, P1451fs, P1418fs.
Identifiers: ClinVar variation 1439490 (VCV001439490.6), dbSNP rs2125598333, ClinGen allele CA2573135657.